The following is an entry in ClinVar:

ClinVar aggregate classification (germline): Uncertain significance (1 of 4 stars; one submission).

Submission:

Labcorp Genetics (formerly Invitae), Labcorp
Classification: Uncertain significance. Last evaluated: 2022-02-06. Review status: criteria provided, single submitter. Criteria: Invitae Variant Classification Sherloc (09022015). Collection method: clinical testing. Allele origin: germline.
Comment: In summary, the available evidence is currently insufficient to determine the role of this variant in disease. Therefore, it has been classified as a Variant of Uncertain Significance. Algorithms developed to predict the effect of missense changes on protein structure and function (SIFT, PolyPhen-2, Align-GVGD) all suggest that this variant is likely to be tolerated. This variant has not been reported in the literature in individuals affected with CAD-related conditions. This variant is not present in population databases (gnomAD no frequency). This sequence change replaces glycine, which is neutral and non-polar, with valine, which is neutral and non-polar, at codon 318 of the CAD protein (p.Gly318Val).

NM_004341.5(CAD):c.953G>T (p.Gly318Val)

Gene: CAD (carbamoyl-phosphate synthetase 2, aspartate transcarbamylase, and dihydroorotase; plus strand). Cytogenetic location: 2p23.3.
Variant type: single nucleotide variant.
Coding change: c.953G>T on transcript NM_004341.5 (MANE Select); coding-DNA position 953, G replaced by T.
Protein change: p.Gly318Val; replaces glycine 318 with valine.
Molecular consequence: missense variant.
Genome position (GRCh38, 1-based): chr2:27,223,706, G>T. VCF-style: chr2-27223706-G-T. GRCh37 (hg19) VCF-style: chr2-27446574-G-T.
Other names: c.953G>T, p.Gly318Val (NM_001306079.2); short protein forms G318V.
Identifiers: ClinVar variation 2094152 (VCV002094152.4), dbSNP rs2465293407, ClinGen allele CA346202175.
Genomic context (GRCh38, chr2:27,223,706, plus strand): 5'-CTGTGGAGACAGACTCACTGCCAGCAGACTGGGCTCCTCTCTTCACCAACGCCAATGATG[G>T]TTCCAATGAAGGCATTGTGCACAACAGCTTGCCTTTCTTCAGGTGAGCCTGGTTGACTGG-3'
Protein context (NP_004332.2, residues 308-328): WAPLFTNAND[Gly318Val]SNEGIVHNSL